The following is an entry in ClinVar:

ClinVar aggregate classification (germline): Uncertain significance (1 of 4 stars; one submission).

Allele frequency attached by ClinVar (database versions not stated): gnomAD exomes below 0.00001; gnomAD 0.00001.
gnomAD v4.1: 2 of 1,614,094 alleles (0.00012%); highest among the groups gnomAD compares: African/African-American, 0.0013%; no homozygotes.

Submission:

Labcorp Genetics (formerly Invitae), Labcorp
Classification: Uncertain significance. Last evaluated: 2021-09-15. Review status: criteria provided, single submitter. Criteria: Invitae Variant Classification Sherloc (09022015). Collection method: clinical testing. Allele origin: germline.
Comment: This sequence change replaces methionine with valine at codon 2892 of the SZT2 protein (p.Met2892Val). The methionine residue is highly conserved and there is a small physicochemical difference between methionine and valine. This variant is not present in population databases (ExAC no frequency). This variant has not been reported in the literature in individuals affected with SZT2-related conditions. Algorithms developed to predict the effect of missense changes on protein structure and function (SIFT, PolyPhen-2, Align-GVGD) all suggest that this variant is likely to be tolerated. In summary, the available evidence is currently insufficient to determine the role of this variant in disease. Therefore, it has been classified as a Variant of Uncertain Significance.

NM_001365999.1(SZT2):c.8845A>G (p.Met2949Val)

Gene: SZT2 (SZT2 subunit of KICSTOR complex; plus strand). Cytogenetic location: 1p34.2.
Variant type: single nucleotide variant.
Coding change: c.8845A>G on transcript NM_001365999.1 (MANE Select); coding-DNA position 8845, A replaced by G.
Protein change: p.Met2949Val; replaces methionine 2949 with valine.
Molecular consequence: missense variant.
Genome position (GRCh38, 1-based): chr1:43,445,913, A>G. VCF-style: chr1-43445913-A-G. GRCh37 (hg19) VCF-style: chr1-43911584-A-G.
Other names: c.8674A>G, p.Met2892Val (NM_015284.4); short protein forms M2892V, M2949V.
Identifiers: ClinVar variation 1475071 (VCV001475071.5), dbSNP rs1463839880, ClinGen allele CA340041137.
Genomic context (GRCh38, chr1:43,445,913, plus strand): 5'-CTAGCCTGCCTCATCCTCTTATCCCTCCTCCTTTTCTATAGCACCAGCCGGCCACGGGCC[A>G]TGGCTATCCTTGGAACAGAGGGTCGAGGCTCCTTCTCCTGCCCTAAAACCAAGACTGATG-3'
Protein context (NP_001352928.1, residues 2939-2959): PARSTSRPRA[Met2949Val]AILGTEGRGS